The following is an entry in ClinVar:

ClinVar aggregate classification (germline): Conflicting classifications of pathogenicity. Review status: criteria provided, conflicting classifications (1 of 4 stars). 3 submissions from 3 submitters: Uncertain significance (2); Likely benign (1). Last evaluated 2024-09-18.

Conditions:
Peroxisome biogenesis disorder 2B (PBD2B). Identifiers: Orphanet 44, MedGen C3550234, MONDO:0008736, OMIM 202370.

Allele frequency attached by ClinVar (database versions not stated): ESP Exome Variant Server 0.00008; gnomAD 0.00009 and 0.00011; ExAC 0.00011; gnomAD exomes 0.00011 and 0.00019; TOPMed 0.00011.
gnomAD v4.1: 287 of 1,613,762 alleles (0.018%); highest among the groups gnomAD compares: Non-Finnish European, 0.024%; no homozygotes.

Submissions (3):

Blueprint Genetics
Classification: Likely benign. Last evaluated: 2024-09-18. Review status: criteria provided, single submitter. Criteria: ACMG Guidelines, 2015. Collection method: clinical testing. Allele origin: germline.

Labcorp Genetics (formerly Invitae), Labcorp
Classification: Uncertain significance for Peroxisome biogenesis disorder 2B. Last evaluated: 2022-10-13. Review status: criteria provided, single submitter. Criteria: Invitae Variant Classification Sherloc (09022015). Collection method: clinical testing. Allele origin: germline.
Comment: This sequence change replaces lysine, which is basic and polar, with glutamic acid, which is acidic and polar, at codon 204 of the PEX5 protein (p.Lys204Glu). This variant is present in population databases (rs149289353, gnomAD 0.02%). This variant has not been reported in the literature in individuals affected with PEX5-related conditions. ClinVar contains an entry for this variant (Variation ID: 958415). Advanced modeling of protein sequence and biophysical properties (such as structural, functional, and spatial information, amino acid conservation, physicochemical variation, residue mobility, and thermodynamic stability) performed at Invitae indicates that this missense variant is not expected to disrupt PEX5 protein function. In summary, the available evidence is currently insufficient to determine the role of this variant in disease. Therefore, it has been classified as a Variant of Uncertain Significance.

GeneDx
Classification: Uncertain significance. Last evaluated: 2019-04-11. Review status: criteria provided, single submitter. Criteria: GeneDx Variant Classification Process June 2021. Collection method: clinical testing. Allele origin: germline. Affected: yes.
Comment: In silico analysis, which includes protein predictors and evolutionary conservation, supports that this variant does not alter protein structure/function; Has not been previously published as pathogenic or benign to our knowledge

NM_001351132.2(PEX5):c.610A>G (p.Lys204Glu)

Gene: PEX5 (peroxisomal biogenesis factor 5; plus strand). Cytogenetic location: 12p13.31.
Variant type: single nucleotide variant.
Coding change: c.610A>G on transcript NM_001351132.2 (MANE Select); coding-DNA position 610, A replaced by G.
Protein change: p.Lys204Glu; replaces lysine 204 with glutamic acid.
Molecular consequence: missense variant.
Genome position (GRCh38, 1-based): chr12:7,201,809, A>G. VCF-style: chr12-7201809-A-G. GRCh37 (hg19) VCF-style: chr12-7354405-A-G.
Other names: c.610A>G, p.Lys204Glu (NM_000319.5, NM_001131024.2, NM_001131025.2 and 19 more transcripts); c.655A>G, p.Lys219Glu (NM_001131023.2, NM_001351135.3, NM_001351138.2); short protein forms K219E, K204E.
Identifiers: ClinVar variation 958415 (VCV000958415.7), dbSNP rs149289353, ClinGen allele CA6426204.